The following is an entry in ClinVar:

NM_024757.5(EHMT1):c.1051del (p.Asp351fs)

Gene: EHMT1 (euchromatic histone lysine methyltransferase 1; plus strand). Cytogenetic location: 9q34.3.
Variant type: Deletion.
Coding change: c.1051del on transcript NM_024757.5 (MANE Select); coding-DNA position 1051, one base deleted (G; older notation c.1051delG).
Protein change: p.Asp351fs; shifts the reading frame from aspartic acid 351.
Molecular consequence: frameshift variant.
Genome position (GRCh38, 1-based): chr9:137,743,971, G deleted; the last of 2 consecutive G bases (chr9:137,743,970-137,743,971); deleting either gives the same sequence. VCF-style (leftmost placement, unchanged base first): chr9-137743969-AG-A. GRCh37 (hg19) VCF-style: chr9-140638421-AG-A.
Other names: NM_001354612.2:c.958del; c.1051del, p.Asp351fs (NM_001145527.2, NM_001354611.2); c.958del, p.Asp320fs (NM_001354259.2, NM_001354612.2); c.1030del, p.Asp344fs (NM_001354263.2); short protein forms D320fs, D344fs, D351fs.
Identifiers: ClinVar variation 2500925 (VCV002500925.3), dbSNP rs2541617396, ClinGen allele CA2579905790.
Genomic context (GRCh38, chr9:137,743,969, plus strand): 5'-AGGACCTGGGCGCCAGCAGCCTGCACGTGAATGGGGAGAGCCTGGAGATGGACTCGGATG[AG>A]GACGACTCAGAGGAGCTCGAGGAGGACGACGGCCATGGTGCAGAGCAGGCGGCCGCGTTC-3'

ClinVar aggregate classification (germline): Pathogenic. Review status: criteria provided, multiple submitters, no conflicts (2 of 4 stars). 2 submissions from 2 submitters: Pathogenic (2). Last evaluated 2023-05-02.

Conditions:
Kleefstra syndrome. Identifiers: Orphanet 261494, MedGen C4551771, MONDO:0012455.
Kleefstra syndrome 1 (KLEFS1). Identifiers: Orphanet 261494, MedGen C0795833, MONDO:0027407, OMIM 610253.

Submissions (2):

Broad Center for Mendelian Genomics, Broad Institute of MIT and Harvard
Classification: Pathogenic for Kleefstra syndrome 1. Last evaluated: 2023-05-02. Review status: criteria provided, single submitter. Criteria: ACMG Guidelines, 2015. Collection method: curation. Allele origin: germline. Inheritance: Autosomal dominant inheritance.
Comment: Trio genome analysis showed this variant to be de novo. The p.Asp351ThrfsTer66 variant in EHMT1 has not been previously reported in individuals with Kleefstra syndrome 1. This variant was absent from large population studies. This variant is predicted to cause a frameshift, which alters the protein‚Äôs amino acid sequence beginning at position 351 and leads to a premature termination codon 66 amino acids downstream. This alteration is then predicted to lead to a truncated or absent protein. Heterozygous loss of function of the EHMT1 gene is an established disease mechanism in autosomal dominant Kleefstra syndrome 1. In summary, this variant meets criteria to be classified as pathogenic for autosomal dominant Kleefstra syndrome 1. ACMG/AMP Criteria applied: PVS1, PS2_Supporting, PM2_Supporting (Richards 2015).

Laboratory for Molecular Medicine, Mass General Brigham Personalized Medicine
Classification: Pathogenic for Kleefstra syndrome. Last evaluated: 2020-10-20. Review status: criteria provided, single submitter. Criteria: ACMG Guidelines, 2015. Collection method: clinical testing. Allele origin: germline. Inheritance: Autosomal dominant inheritance.
Comment: The p.Asp351ThrfsX66 variant in EHMT1 has not been previously reported in individuals with Kleefstra syndrome and was absent from large population studies. However, trio whole genome sequencing confirmed this variant to be de novo in an individual with global developmental delay, hypotonia, and mild dysmorphic features by the Broad Institute Rare Genomes Project. This variant is predicted to cause a frameshift, which alters the protein’s amino acid sequence beginning at position 351 and leads to a premature termination codon 66 amino acids downstream. This alteration is then predicted to lead to a truncated or absent protein. Loss of function of the EHMT1 gene is an established disease mechanism in autosomal dominant Kleefstra syndrome. In summary, this variant meets criteria to be classified as pathogenic for autosomal dominant Kleefstra syndrome. ACMG/AMP Criteria applied: PVS1, PS2_Moderate, PM2_Supporting.